The following is an entry in ClinVar:

NM_000455.5(STK11):c.1142G>C (p.Gly381Ala)

Gene: STK11 (serine/threonine kinase 11; plus strand). Cytogenetic location: 19p13.3.
Variant type: single nucleotide variant.
Coding change: c.1142G>C on transcript NM_000455.5 (MANE Select); coding-DNA position 1142, G replaced by C.
Protein change: p.Gly381Ala; replaces glycine 381 with alanine.
Molecular consequence: missense variant.
Genome position (GRCh38, 1-based): chr19:1,226,487, G>C. VCF-style: chr19-1226487-G-C. GRCh37 (hg19) VCF-style: chr19-1226486-G-C.
Other names: short protein forms G381A.
Identifiers: ClinVar variation 184219 (VCV000184219.25), dbSNP rs765419233, ClinGen allele CA022351.
Genomic context (GRCh38, chr19:1,226,487, plus strand): 5'-AGGCCACACTTGCCGTCTCCCTCCCAGGACAGGTCCCAGAAGAGGAGGCCAGTCACAATG[G>C]ACAGCGCCGGGGCCTCCCCAAGGCCGTGTGTATGAACGGCACAGAGGCGGCGCAGCTGAG-3'
Protein context (NP_000446.1, residues 371-391): QVPEEEASHN[Gly381Ala]QRRGLPKAVC

ClinVar aggregate classification (germline): Conflicting classifications of pathogenicity. Review status: criteria provided, conflicting classifications (1 of 4 stars). 7 submissions from 7 submitters: Uncertain significance (6); Likely benign (1). Last evaluated 2025-07-08.

Conditions:
Hereditary cancer-predisposing syndrome. Also called: Tumor predisposition; Hereditary Cancer Syndrome; Hereditary neoplastic syndrome; Neoplastic Syndromes, Hereditary. Identifiers: Orphanet 140162, MedGen C0027672, MeSH D009386, MONDO:0015356.
Peutz-Jeghers syndrome (PJS). Also called: POLYPOSIS, HAMARTOMATOUS INTESTINAL; POLYPS-AND-SPOTS SYNDROME; Peutz-Jeghers polyposis; Periorificial lentiginosis syndrome. Identifiers: Orphanet 2869, MedGen C0031269, MeSH D010580, MONDO:0008280, OMIM 175200.

Allele frequency attached by ClinVar (database versions not stated): gnomAD exomes below 0.00001; ExAC 0.00001; gnomAD 0.00001; TOPMed 0.00001.

Submissions (7):

Labcorp Genetics (formerly Invitae), Labcorp
Classification: Uncertain significance for Peutz-Jeghers syndrome. Last evaluated: 2025-07-08. Review status: criteria provided, single submitter. Criteria: Invitae Variant Classification Sherloc (09022015). Collection method: clinical testing. Allele origin: germline.
Comment: This sequence change replaces glycine, which is neutral and non-polar, with alanine, which is neutral and non-polar, at codon 381 of the STK11 protein (p.Gly381Ala). The frequency data for this variant in the population databases is considered unreliable, as metrics indicate poor data quality at this position in the gnomAD database. This variant has not been reported in the literature in individuals affected with STK11-related conditions. ClinVar contains an entry for this variant (Variation ID: 184219). Invitae Evidence Modeling of protein sequence and biophysical properties (such as structural, functional, and spatial information, amino acid conservation, physicochemical variation, residue mobility, and thermodynamic stability) indicates that this missense variant is not expected to disrupt STK11 protein function with a negative predictive value of 95%. In summary, the available evidence is currently insufficient to determine the role of this variant in disease. Therefore, it has been classified as a Variant of Uncertain Significance.

Women's Health and Genetics/Laboratory Corporation of America, LabCorp
Classification: Uncertain significance. Last evaluated: 2024-07-15. Review status: criteria provided, single submitter. Criteria: LabCorp Variant Classification Summary - May 2015. Collection method: clinical testing. Allele origin: germline.
Comment: Variant summary: STK11 c.1142G>C (p.Gly381Ala) results in a non-conservative amino acid change in the encoded protein sequence. Three of five in-silico tools predict a benign effect of the variant on protein function. The variant allele was found at a frequency of 4.1e-06 in 241772 control chromosomes. The available data on variant occurrences in the general population are insufficient to allow any conclusion about variant significance. To our knowledge, no occurrence of c.1142G>C in individuals affected with Hereditary Breast And Ovarian Cancer Syndrome and no experimental evidence demonstrating its impact on protein function have been reported. ClinVar contains an entry for this variant (Variation ID: 184219). Based on the evidence outlined above, the variant was classified as uncertain significance.

Ambry Genetics
Classification: Likely benign for Hereditary cancer-predisposing syndrome. Last evaluated: 2024-03-19. Review status: criteria provided, single submitter. Criteria: Ambry Variant Classification Scheme 2023. Collection method: clinical testing. Allele origin: germline.

Color Diagnostics, LLC DBA Color Health
Classification: Uncertain significance for Hereditary cancer-predisposing syndrome. Last evaluated: 2024-03-06. Review status: criteria provided, single submitter. Criteria: ACMG Guidelines, 2015. Collection method: clinical testing. Allele origin: germline.
Comment: This missense variant replaces glycine with alanine at codon 381 of the STK11 protein. Computational prediction suggests that this variant may not impact protein structure and function (internally defined REVEL score threshold <= 0.5, PMID: 27666373). Splice site prediction tools suggest that this variant may not impact RNA splicing. To our knowledge, functional studies have not been performed for this variant. This variant has not been reported in individuals affected with hereditary cancer in the literature. This variant has been identified in 1/241772 chromosomes in the general population by the Genome Aggregation Database (gnomAD). The available evidence is insufficient to determine the role of this variant in disease conclusively. Therefore, this variant is classified as a Variant of Uncertain Significance.

Sema4
Classification: Uncertain significance for Hereditary cancer-predisposing syndrome. Last evaluated: 2021-09-18. Review status: criteria provided, single submitter. Criteria: Sema4 Curation Guidelines. Collection method: curation. Allele origin: germline.
Comment: The STK11 c.1142G>C (p.G381A) variant has not been reported in literature to our knowledge This variant was observed in 1/108042 chromosomes in the Non-Finnish European population according to the Genome Aggregation Database (PMID: 32461654). This variant has been reported in ClinVar (Variation ID 184219). In silico suggest the impact of the variant on protein function is benign, though these predictions have not been confirmed by functional studies. The overall evidence is insufficient to meet ACMG/AMP criteria for classifying it as benign or pathogenic. In summary, the clinical significance of this variant is currently uncertain.

Genome-Nilou Lab
Classification: Uncertain significance for Peutz-Jeghers syndrome. Last evaluated: 2021-07-15. Review status: criteria provided, single submitter. Criteria: ACMG Guidelines, 2015. Collection method: clinical testing. Allele origin: germline. Affected: no.

GeneDx
Classification: Uncertain significance. Last evaluated: 2020-08-14. Review status: criteria provided, single submitter. Criteria: GeneDx Variant Classification Process June 2021. Collection method: clinical testing. Allele origin: germline. Affected: yes.
Comment: Not observed at a significant frequency in large population cohorts (Lek 2016); In silico analysis supports that this missense variant does not alter protein structure/function; Has not been previously published as pathogenic or benign to our knowledge